The following is an entry in ClinVar:

ClinVar aggregate classification (germline): Uncertain significance (1 of 4 stars; one submission).

Submission:

Labcorp Genetics (formerly Invitae), Labcorp
Classification: Uncertain significance. Last evaluated: 2025-06-29. Review status: criteria provided, single submitter. Criteria: Invitae Variant Classification Sherloc (09022015). Collection method: clinical testing. Allele origin: germline.
Comment: This sequence change replaces aspartic acid, which is acidic and polar, with asparagine, which is neutral and polar, at codon 353 of the CUL3 protein (p.Asp353Asn). This variant is present in population databases (no rsID available, gnomAD 0.002%). This variant has not been reported in the literature in individuals affected with CUL3-related conditions. ClinVar contains an entry for this variant (Variation ID: 3622715). Invitae Evidence Modeling of protein sequence and biophysical properties (such as structural, functional, and spatial information, amino acid conservation, physicochemical variation, residue mobility, and thermodynamic stability) indicates that this missense variant is not expected to disrupt CUL3 protein function with a negative predictive value of 95%. In summary, the available evidence is currently insufficient to determine the role of this variant in disease. Therefore, it has been classified as a Variant of Uncertain Significance.

NM_003590.5(CUL3):c.1057G>A (p.Asp353Asn)

Gene: CUL3 (cullin 3; minus strand). Cytogenetic location: 2q36.2.
Variant type: single nucleotide variant.
Coding change: c.1057G>A on transcript NM_003590.5 (MANE Select); coding-DNA position 1057, G replaced by A.
Protein change: p.Asp353Asn; replaces aspartic acid 353 with asparagine.
Molecular consequence: missense variant.
Genome position (GRCh38, 1-based): chr2:224,506,105, C>T on the plus strand (G>A on the coding strand, the complement: CUL3 is on the minus strand). VCF-style: chr2-224506105-C-T. GRCh37 (hg19) VCF-style: chr2-225370822-C-T.
Other names: c.859G>A, p.Asp287Asn (NM_001257197.2); c.1075G>A, p.Asp359Asn (NM_001257198.2); short protein forms D287N, D353N, D359N.
Identifiers: ClinVar variation 3622715 (VCV003622715.2).